The following is an entry in ClinVar:

NM_013254.4(TBK1):c.100T>G (p.Leu34Val)

Gene: TBK1 (TANK binding kinase 1; plus strand). Cytogenetic location: 12q14.2.
Variant type: single nucleotide variant.
Coding change: c.100T>G on transcript NM_013254.4 (MANE Select); coding-DNA position 100, T replaced by G.
Protein change: p.Leu34Val; replaces leucine 34 with valine.
Molecular consequence: missense variant.
Genome position (GRCh38, 1-based): chr12:64,460,201, T>G. VCF-style: chr12-64460201-T-G. GRCh37 (hg19) VCF-style: chr12-64853981-T-G.
Other names: short protein forms L34V.
Identifiers: ClinVar variation 3357253 (VCV003357253.1).

ClinVar aggregate classification (germline): Uncertain significance (0 of 4 stars; one submission).

Conditions:
TBK1-related disorder. Also called: TBK1-related condition.

gnomAD v4.1: 6 of 1,505,860 alleles (0.0004%); highest among the groups gnomAD compares: East Asian, 0.012%; no homozygotes.

Submission:

PreventionGenetics, part of Exact Sciences
Classification: Uncertain significance for TBK1-related condition. Last evaluated: 2024-06-21. Review status: no assertion criteria provided. Collection method: clinical testing. Allele origin: germline.
Comment: The TBK1 c.100T>G variant is predicted to result in the amino acid substitution p.Leu34Val. To our knowledge, this variant has not been reported in the literature. This variant is reported in 0.034% of alleles in individuals of East Asian descent in gnomAD. Although we suspect that this variant may be benign, at this time, the clinical significance of this variant is uncertain due to the absence of conclusive functional and genetic evidence.